The following is an entry in ClinVar:

NM_002485.5(NBN):c.2054T>C (p.Phe685Ser)

Gene: NBN (nibrin; minus strand). Cytogenetic location: 8q21.3.
Variant type: single nucleotide variant.
Coding change: c.2054T>C on transcript NM_002485.5 (MANE Select); coding-DNA position 2054, T replaced by C.
Protein change: p.Phe685Ser; replaces phenylalanine 685 with serine.
Molecular consequence: missense variant.
Genome position (GRCh38, 1-based): chr8:89,946,156, A>G on the plus strand (T>C on the coding strand, the complement: NBN is on the minus strand). VCF-style: chr8-89946156-A-G. GRCh37 (hg19) VCF-style: chr8-90958384-A-G.
Other names: c.1808T>C, p.Phe603Ser (NM_001024688.3); short protein forms F603S, F685S.
Identifiers: ClinVar variation 801234 (VCV000801234.20), dbSNP rs1181142133, ClinGen allele CA371676350.

ClinVar aggregate classification (germline): Uncertain significance. Review status: criteria provided, multiple submitters, no conflicts (2 of 4 stars). 6 submissions from 6 submitters: Uncertain significance (6). Last evaluated 2026-02-11.

Conditions:
Aplastic anemia. Identifiers: Orphanet 182040, Orphanet 88, MedGen C0002874, MONDO:0015909, OMIM 609135, HP:0001915.
Microcephaly, normal intelligence and immunodeficiency (NBS). Also called: Microcephaly with normal intelligence immunodeficiency and lymphoreticular malignancies; Nonsyndromal microcephaly autosomal recessive with normal intelligence; Seemanova syndrome 2; Ataxia telangiectasia variant V1; BERLIN BREAKAGE SYNDROME; Immunodeficiency, microcephaly with normal intelligence. Identifiers: Orphanet 647, MedGen C0398791, MONDO:0009623, OMIM 251260.
Hereditary cancer-predisposing syndrome. Also called: Neoplastic Syndromes, Hereditary; Hereditary Cancer Syndrome; Tumor predisposition; Hereditary neoplastic syndrome. Identifiers: Orphanet 140162, MedGen C0027672, MeSH D009386, MONDO:0015356.

Allele frequency attached by ClinVar (database versions not stated): gnomAD exomes below 0.00001.
gnomAD v4.1: 1 of 1,594,288 alleles (0.000063%); highest among the groups gnomAD compares: Admixed American, 0.0017%; no homozygotes.

Submissions (6):

St. Jude Molecular Pathology, St. Jude Children's Research Hospital
Classification: Uncertain significance for Microcephaly, normal intelligence and immunodeficiency. Last evaluated: 2026-02-11. Review status: criteria provided, single submitter. Criteria: St. Jude Assertion Criteria 2020. Collection method: clinical testing. Allele origin: germline.
Comment: The NBN c.2054T>C p.(Phe685Ser) missense change has a maximum subpopulation frequency of 0.003% in gnomAD v2.1.1. The in silico tool REVEL predicts a deleterious effect on protein function, but to our knowledge this prediction has not been confirmed by functional studies. To our knowledge, this variant has not been reported in individuals with Nijmegen breakage syndrome. In summary, the evidence currently available is insufficient to determine the clinical significance of this variant. It has therefore been classified as of uncertain significance.

Labcorp Genetics (formerly Invitae), Labcorp
Classification: Uncertain significance for Microcephaly, normal intelligence and immunodeficiency. Last evaluated: 2025-10-15. Review status: criteria provided, single submitter. Criteria: Invitae Variant Classification Sherloc (09022015). Collection method: clinical testing. Allele origin: germline.
Comment: This sequence change replaces phenylalanine, which is neutral and non-polar, with serine, which is neutral and polar, at codon 685 of the NBN protein (p.Phe685Ser). This variant is present in population databases (no rsID available, gnomAD 0.003%). This variant has not been reported in the literature in individuals affected with NBN-related conditions. ClinVar contains an entry for this variant (Variation ID: 801234). An algorithm developed to predict the effect of missense changes on protein structure and function (PolyPhen-2) suggests that this variant is likely to be disruptive. In summary, the available evidence is currently insufficient to determine the role of this variant in disease. Therefore, it has been classified as a Variant of Uncertain Significance.

Ambry Genetics
Classification: Uncertain significance for Hereditary cancer-predisposing syndrome. Last evaluated: 2023-05-23. Review status: criteria provided, single submitter. Criteria: Ambry Variant Classification Scheme 2023. Collection method: clinical testing. Allele origin: germline.
Comment: The p.F685S variant (also known as c.2054T>C), located in coding exon 13 of the NBN gene, results from a T to C substitution at nucleotide position 2054. The phenylalanine at codon 685 is replaced by serine, an amino acid with highly dissimilar properties. This amino acid position is highly conserved in available vertebrate species. In addition, this alteration is predicted to be deleterious by in silico analysis. Since supporting evidence is limited at this time, the clinical significance of this alteration remains unclear.

Baylor Genetics
Classification: Uncertain significance for Aplastic anemia. Last evaluated: 2023-05-12. Review status: criteria provided, single submitter. Criteria: ACMG Guidelines, 2015. Collection method: clinical testing. Allele origin: unknown.

Genome-Nilou Lab
Classification: Uncertain significance for Microcephaly, normal intelligence and immunodeficiency. Last evaluated: 2021-11-07. Review status: criteria provided, single submitter. Criteria: ACMG Guidelines, 2015. Collection method: clinical testing. Allele origin: germline. Affected: no.

Quest Diagnostics Nichols Institute San Juan Capistrano
Classification: Uncertain significance. Last evaluated: 2018-08-29. Review status: criteria provided, single submitter. Criteria: Quest Diagnostics criteria. Collection method: clinical testing. Allele origin: germline.